The following is an entry in ClinVar:

ClinVar aggregate classification (germline): Likely pathogenic (1 of 4 stars; one submission).

Conditions:
Sifrim-Hitz-Weiss syndrome (SIHIWES). Also called: SIFRIM-HITZ-WEISS MULTIPLE CONGENITAL ANOMALIES-MENTAL RETARDATION SYNDROME; CHD4 Neurodevelopmental Disorder. Identifiers: Orphanet 653712, MedGen C4310688, MONDO:0014946, OMIM 617159.

Submission:

Rady Children's Institute for Genomic Medicine, Rady Children's Hospital San Diego
Classification: Likely pathogenic for SIFRIM-HITZ-WEISS SYNDROME. Review status: criteria provided, single submitter. Criteria: ACMG Guidelines, 2015. Collection method: clinical testing. Allele origin: germline. Affected: yes.
Comment: This frameshifting variant in exon 19 of 40 introduces a premature stop codon and is therefore predicted to result in loss of normal protein function through either protein truncation or nonsense-mediated mRNA decay (NMD). This variant has not been previously reported or functionally characterized in the literature to our knowledge. The c.2921_2922del (p.Val974AlafsTer21) variant is absent from the gnomAD population database and thus is presumed to be rare. Based on the available evidence, the c.2921_2922del (p.Val974AlafsTer21) variant is classified as Likely Pathogenic.

NM_001273.5(CHD4):c.2921_2922del (p.Val974fs)

Gene: CHD4 (chromodomain helicase DNA binding protein 4; minus strand). Cytogenetic location: 12p13.31.
Variant type: Microsatellite.
Coding change: c.2921_2922del on transcript NM_001273.5 (MANE Select); coding-DNA positions 2921 to 2922, 2 bases deleted (TG; older notation c.2921_2922delTG).
Protein change: p.Val974fs; shifts the reading frame from valine 974.
Molecular consequence: frameshift variant.
Genome position (GRCh38, 1-based): chr12:6,592,419-6,592,420, CA deleted on the plus strand (TG on the coding strand, the reverse complement: CHD4 is on the minus strand); deleting any 2 consecutive bases within chr12:6,592,419-6,592,422 gives the same sequence; the c. name uses the placement nearest the transcript's 3' end. VCF-style (leftmost placement, unchanged base first): chr12-6592418-GCA-G. GRCh37 (hg19) VCF-style: chr12-6701584-GCA-G.
Other names: c.2900_2901del, p.Val967fs (NM_001297553.2); c.2882_2883del, p.Val961fs (NM_001363606.2); short protein forms V961fs, V967fs, V974fs.
Identifiers: ClinVar variation 2584494 (VCV002584494.1), dbSNP rs2540397438, ClinGen allele CA2582342486.